The following is an entry in ClinVar:

ClinVar aggregate classification (germline): Uncertain significance. Review status: criteria provided, multiple submitters, no conflicts (2 of 4 stars). 2 submissions from 2 submitters: Uncertain significance (2). Last evaluated 2025-06-27.

Conditions:
Cardiovascular phenotype. Identifiers: MedGen CN230736.

Allele frequency attached by ClinVar (database versions not stated): gnomAD exomes 0.00001; gnomAD 0.00002; TOPMed 0.00002.
gnomAD v4.1: 6 of 1,209,813 alleles (0.0005%); highest among the groups gnomAD compares: African/African-American, 0.011%; no homozygotes.

Submissions (2):

Labcorp Genetics (formerly Invitae), Labcorp
Classification: Uncertain significance. Last evaluated: 2025-06-27. Review status: criteria provided, single submitter. Criteria: Invitae Variant Classification Sherloc (09022015). Collection method: clinical testing. Allele origin: germline.
Comment: This sequence change replaces glutamic acid, which is acidic and polar, with alanine, which is neutral and non-polar, at codon 245 of the BGN protein (p.Glu245Ala). This variant is present in population databases (no rsID available, gnomAD 0.03%). This variant has not been reported in the literature in individuals affected with BGN-related conditions. ClinVar contains an entry for this variant (Variation ID: 2989227). Invitae Evidence Modeling of protein sequence and biophysical properties (such as structural, functional, and spatial information, amino acid conservation, physicochemical variation, residue mobility, and thermodynamic stability) indicates that this missense variant is not expected to disrupt BGN protein function with a negative predictive value of 80%. In summary, the available evidence is currently insufficient to determine the role of this variant in disease. Therefore, it has been classified as a Variant of Uncertain Significance.

Ambry Genetics
Classification: Uncertain significance for Cardiovascular phenotype. Last evaluated: 2024-11-06. Review status: criteria provided, single submitter. Criteria: Ambry Variant Classification Scheme 2023. Collection method: clinical testing. Allele origin: germline.

NM_001711.6(BGN):c.734A>C (p.Glu245Ala)

Gene: BGN (biglycan; plus strand). Cytogenetic location: Xq28.
Variant type: single nucleotide variant.
Coding change: c.734A>C on transcript NM_001711.6 (MANE Select); coding-DNA position 734, A replaced by C.
Protein change: p.Glu245Ala; replaces glutamic acid 245 with alanine.
Molecular consequence: missense variant.
Genome position (GRCh38, 1-based): chrX:153,506,887, A>C. VCF-style: chrX-153506887-A-C. GRCh37 (hg19) VCF-style: chrX-152772345-A-C.
Other names: c.734A>C (NM_001711.4); short protein forms E245A.
Identifiers: ClinVar variation 2989227 (VCV002989227.4), dbSNP rs868974379, ClinGen allele CA415071204.